The following is an entry in ClinVar:

NM_016529.6(ATP8A2):c.3272+4A>T

Gene: ATP8A2 (ATPase phospholipid transporting 8A2). Cytogenetic location: 13q12.13.
Variant type: single nucleotide variant.
Coding change: c.3272+4A>T on transcript NM_016529.6 (MANE Select); 4 bases into the intron after coding-DNA position 3272, A replaced by T.
Molecular consequence: intron variant.
Genome position (GRCh38, 1-based): chr13:25,961,667, A>T. VCF-style: chr13-25961667-A-T. GRCh37 (hg19) VCF-style: chr13-26535805-A-T.
Other names: c.3077+4A>T (NM_001313741.1).
Identifiers: ClinVar variation 1384687 (VCV001384687.6), dbSNP rs2139186314, ClinGen allele CA2573149185.

ClinVar aggregate classification (germline): Uncertain significance (1 of 4 stars; one submission).

Submission:

Labcorp Genetics (formerly Invitae), Labcorp
Classification: Uncertain significance. Last evaluated: 2022-07-26. Review status: criteria provided, single submitter. Criteria: Invitae Variant Classification Sherloc (09022015). Collection method: clinical testing. Allele origin: germline.
Comment: This sequence change falls in intron 34 of the ATP8A2 gene. It does not directly change the encoded amino acid sequence of the ATP8A2 protein. It affects a nucleotide within the consensus splice site. This variant is not present in population databases (gnomAD no frequency). This variant has not been reported in the literature in individuals affected with ATP8A2-related conditions. ClinVar contains an entry for this variant (Variation ID: 1384687). Variants that disrupt the consensus splice site are a relatively common cause of aberrant splicing (PMID: 17576681, 9536098). Algorithms developed to predict the effect of sequence changes on RNA splicing suggest that this variant may disrupt the consensus splice site. In summary, the available evidence is currently insufficient to determine the role of this variant in disease. Therefore, it has been classified as a Variant of Uncertain Significance.

Literature cited by the submitters: PubMed 17576681; PubMed 9536098.